The following is an entry in ClinVar:

ClinVar aggregate classification (germline): Uncertain significance (1 of 4 stars; one submission).

Submission:

Labcorp Genetics (formerly Invitae), Labcorp
Classification: Uncertain significance. Last evaluated: 2025-06-04. Review status: criteria provided, single submitter. Criteria: Invitae Variant Classification Sherloc (09022015). Collection method: clinical testing. Allele origin: germline.
Comment: This sequence change replaces proline, which is neutral and non-polar, with alanine, which is neutral and non-polar, at codon 78 of the OTULIN protein (p.Pro78Ala). This variant is not present in population databases (gnomAD no frequency). This variant has not been reported in the literature in individuals affected with OTULIN-related conditions. An algorithm developed to predict the effect of missense changes on protein structure and function outputs the following: PolyPhen-2: "Benign". The alanine amino acid residue is found in multiple mammalian species, which suggests that this missense change does not adversely affect protein function. In summary, the available evidence is currently insufficient to determine the role of this variant in disease. Therefore, it has been classified as a Variant of Uncertain Significance.

NM_138348.6(OTULIN):c.232C>G (p.Pro78Ala)

Gene: OTULIN (OTU deubiquitinase with linear linkage specificity; plus strand). Cytogenetic location: 5p15.2.
Variant type: single nucleotide variant.
Coding change: c.232C>G on transcript NM_138348.6 (MANE Select); coding-DNA position 232, C replaced by G.
Protein change: p.Pro78Ala; replaces proline 78 with alanine.
Molecular consequence: missense variant.
Genome position (GRCh38, 1-based): chr5:14,678,683, C>G. VCF-style: chr5-14678683-C-G. GRCh37 (hg19) VCF-style: chr5-14678792-C-G.
Other names: short protein forms P78A.
Identifiers: ClinVar variation 4720776 (VCV004720776.1).